The following is an entry in ClinVar:

ClinVar aggregate classification (germline): Uncertain significance (1 of 4 stars; one submission).

Conditions:
Vici syndrome (VICIS). Identifiers: Orphanet 1493, MedGen C1855772, MONDO:0009452, OMIM 242840.

gnomAD v4.1: 1 of 1,614,136 alleles (0.000062%); highest among the groups gnomAD compares: Non-Finnish European, 0.000085%; no homozygotes.

Submission:

Labcorp Genetics (formerly Invitae), Labcorp
Classification: Uncertain significance for Vici syndrome. Last evaluated: 2022-09-09. Review status: criteria provided, single submitter. Criteria: Invitae Variant Classification Sherloc (09022015). Collection method: clinical testing. Allele origin: germline.
Comment: This sequence change replaces proline, which is neutral and non-polar, with arginine, which is basic and polar, at codon 1070 of the EPG5 protein (p.Pro1070Arg). This variant is not present in population databases (gnomAD no frequency). This variant has not been reported in the literature in individuals affected with EPG5-related conditions. Advanced modeling of protein sequence and biophysical properties (such as structural, functional, and spatial information, amino acid conservation, physicochemical variation, residue mobility, and thermodynamic stability) performed at Invitae indicates that this missense variant is not expected to disrupt EPG5 protein function. In summary, the available evidence is currently insufficient to determine the role of this variant in disease. Therefore, it has been classified as a Variant of Uncertain Significance.

NM_020964.3(EPG5):c.3209C>G (p.Pro1070Arg)

Gene: EPG5 (ectopic P-granules 5 autophagy tethering factor; minus strand). Cytogenetic location: 18q21.1.
Variant type: single nucleotide variant.
Coding change: c.3209C>G on transcript NM_020964.3 (MANE Select); coding-DNA position 3209, C replaced by G.
Protein change: p.Pro1070Arg; replaces proline 1070 with arginine.
Molecular consequence: missense variant.
Genome position (GRCh38, 1-based): chr18:45,917,709, G>C on the plus strand (C>G on the coding strand, the complement: EPG5 is on the minus strand). VCF-style: chr18-45917709-G-C. GRCh37 (hg19) VCF-style: chr18-43497674-G-C.
Other names: c.3209C>G, p.Pro1070Arg (NM_001410858.1, NM_001410859.1); short protein forms P1070R.
Identifiers: ClinVar variation 1719139 (VCV001719139.3), dbSNP rs1568153124, ClinGen allele CA402343554.